The following is an entry in ClinVar:

NM_001374736.1(DST):c.14170T>C (p.Ser4724Pro)

Genes: DST (dystonin; minus strand), LOC129389544 (MPRA-validated peak5860 silencer; plus strand). Cytogenetic location: 6p12.1.
Variant type: single nucleotide variant.
Coding change: c.14170T>C on transcript NM_001374736.1 (MANE Select); coding-DNA position 14170, T replaced by C.
Protein change: p.Ser4724Pro; replaces serine 4724 with proline.
Molecular consequence: missense variant.
Genome position (GRCh38, 1-based): chr6:56,561,448, A>G on the plus strand (T>C on the coding strand, the complement: DST is on the minus strand). VCF-style: chr6-56561448-A-G. GRCh37 (hg19) VCF-style: chr6-56426246-A-G.
Other names: p.Ser2101Pro; c.7813T>C, p.Ser2605Pro (NM_001144769.5); c.7399T>C, p.Ser2467Pro (NM_001144770.2); c.14170T>C, p.Ser4724Pro (NM_001374722.1); c.13537T>C, p.Ser4513Pro (NM_001374729.1); c.7279T>C, p.Ser2427Pro (NM_001374730.1, NM_001386100.1, NM_183380.4); c.14197T>C, p.Ser4733Pro (NM_001374734.1); c.6301T>C, p.Ser2101Pro (NM_015548.5); short protein forms S2427P, S4513P, S4724P, S4733P, S2101P, S2467P, S2605P.
Identifiers: ClinVar variation 796217 (VCV000796217.12), dbSNP rs148547958, ClinGen allele CA3868078.
Genomic context (GRCh38, chr6:56,561,448, plus strand): 5'-TCATTTTCTGTAACCACTGCATCATTGCACTTGATTCTTCCTGAGCCTTTTGCAATTTGG[A>G]GAGTTTAGTGTTCAGTTCCGCTATTTTGTCCTTGAGTAAGAGGCCAAGATCTTCATAACC-3'
Protein context (NP_001361665.1, residues 4714-4734): DKIAELNTKL[Ser4724Pro]KLQKAQEESS

ClinVar aggregate classification (germline): Benign. Review status: criteria provided, multiple submitters, no conflicts (2 of 4 stars). 2 submissions from 2 submitters: Benign (2). Last evaluated 2025-12-31.

Conditions:
Hereditary sensory and autonomic neuropathy type 6. Also called: HSAN VI; Neuropathy, hereditary sensory and autonomic, type VI. Identifiers: Orphanet 314381, MedGen C3539003, MONDO:0013839, OMIM 614653.
Epidermolysis bullosa simplex 3, localized or generalized intermediate, with BP230 deficiency (EBS3). Also called: Epidermolysis bullosa simplex, autosomal recessive 2; Epidermolysis bullosa simplex due to BP230 deficiency. Identifiers: Orphanet 412181, MedGen C3809470, MONDO:0014180, OMIM 615425.

Allele frequency attached by ClinVar (database versions not stated): gnomAD 0.00054 and 0.00082; gnomAD exomes 0.00071 and 0.00182; ESP Exome Variant Server 0.00008; 1000 Genomes Project 30x 0.00328; 1000 Genomes Project 0.00379; TOPMed 0.00093; ExAC 0.00174.
gnomAD v4.1: 1,234 of 1,613,798 alleles (0.076%); highest among the groups gnomAD compares: East Asian, 2.3%; 16 homozygotes.

Submissions (2):

Labcorp Genetics (formerly Invitae), Labcorp
Classification: Benign for Epidermolysis bullosa simplex 3, localized or generalized intermediate, with BP230 deficiency; Hereditary sensory and autonomic neuropathy type 6. Last evaluated: 2025-12-31. Review status: criteria provided, single submitter. Criteria: Invitae Variant Classification Sherloc (09022015). Collection method: clinical testing. Allele origin: germline.

Mayo Clinic Laboratories, Mayo Clinic
Classification: Benign. Last evaluated: 2024-12-17. Review status: criteria provided, single submitter. Criteria: ACMG Guidelines, 2015. Collection method: clinical testing. Allele origin: germline. Observed: 3 variant alleles.
Comment: BS1, BS2, BP4